The following is an entry in ClinVar:

ClinVar aggregate classification (germline): Conflicting classifications of pathogenicity. Review status: criteria provided, conflicting classifications (1 of 4 stars). 2 submissions from 2 submitters: Uncertain significance (1); Likely benign (1). Last evaluated 2025-09-10.

Allele frequency attached by ClinVar (database versions not stated): gnomAD exomes below 0.00001; gnomAD 0.00001; TOPMed 0.00002.
gnomAD v4.1: 7 of 1,613,094 alleles (0.00043%); highest among the groups gnomAD compares: East Asian, 0.0067%; no homozygotes.

Submissions (2):

Ambry Genetics
Classification: Likely benign. Last evaluated: 2025-09-10. Review status: criteria provided, single submitter. Criteria: Ambry Variant Classification Scheme 2023. Collection method: clinical testing. Allele origin: germline.

Labcorp Genetics (formerly Invitae), Labcorp
Classification: Uncertain significance. Last evaluated: 2022-08-04. Review status: criteria provided, single submitter. Criteria: Invitae Variant Classification Sherloc (09022015). Collection method: clinical testing. Allele origin: germline.
Comment: In summary, the available evidence is currently insufficient to determine the role of this variant in disease. Therefore, it has been classified as a Variant of Uncertain Significance. Algorithms developed to predict the effect of missense changes on protein structure and function output the following: SIFT: "Tolerated"; PolyPhen-2: "Benign"; Align-GVGD: "Class C0". The isoleucine amino acid residue is found in multiple mammalian species, which suggests that this missense change does not adversely affect protein function. This variant has not been reported in the literature in individuals affected with TFAM-related conditions. This variant is not present in population databases (gnomAD no frequency). This sequence change replaces valine, which is neutral and non-polar, with isoleucine, which is neutral and non-polar, at codon 164 of the TFAM protein (p.Val164Ile).

NM_003201.3(TFAM):c.490G>A (p.Val164Ile)

Gene: TFAM (transcription factor A, mitochondrial; plus strand). Cytogenetic location: 10q21.1.
Variant type: single nucleotide variant.
Coding change: c.490G>A on transcript NM_003201.3 (MANE Select); coding-DNA position 490, G replaced by A.
Protein change: p.Val164Ile; replaces valine 164 with isoleucine.
Molecular consequence: missense variant. On other transcripts: non-coding transcript variant (1), intron variant (1).
Genome position (GRCh38, 1-based): chr10:58,390,813, G>A. VCF-style: chr10-58390813-G-A. GRCh37 (hg19) VCF-style: chr10-60150573-G-A.
Other names: c.441+1994G>A (NM_001270782.2); c.490G>A (NM_003201.1); short protein forms V164I.
Identifiers: ClinVar variation 1925604 (VCV001925604.6), dbSNP rs1285830482, ClinGen allele CA377059280.